The following is an entry in ClinVar:

ClinVar aggregate classification (germline): Likely benign. Review status: criteria provided, multiple submitters, no conflicts (2 of 4 stars). 2 submissions from 2 submitters: Likely benign (2). Last evaluated 2026-02-01.

Submissions (2):

CeGaT Center for Human Genetics Tuebingen
Classification: Likely benign. Last evaluated: 2026-02-01. Review status: criteria provided, single submitter. Criteria: CeGaT Center For Human Genetics Tuebingen Variant Classification Criteria Version 2. Collection method: clinical testing. Allele origin: germline. Affected: yes. Observed: 6 variant alleles.
Comment: MAGEL2: BP4, BP7

Labcorp Genetics (formerly Invitae), Labcorp
Classification: Likely benign. Last evaluated: 2024-10-15. Review status: criteria provided, single submitter. Criteria: Invitae Variant Classification Sherloc (09022015). Collection method: clinical testing. Allele origin: germline.

NM_019066.5(MAGEL2):c.609C>A (p.Pro203=)

Gene: MAGEL2 (MAGE family member L2; minus strand). Cytogenetic location: 15q11.2.
Variant type: single nucleotide variant.
Coding change: c.609C>A on transcript NM_019066.5 (MANE Select); coding-DNA position 609, C replaced by A.
Protein change: p.Pro203=; no amino-acid change (proline 203 retained).
Molecular consequence: synonymous variant.
Genome position (GRCh38, 1-based): chr15:23,647,134, G>T on the plus strand (C>A on the coding strand, the complement: MAGEL2 is on the minus strand). VCF-style: chr15-23647134-G-T. GRCh37 (hg19) VCF-style: chr15-23892281-G-T.
Identifiers: ClinVar variation 2420329 (VCV002420329.29), dbSNP rs1034935315, ClinGen allele CA267661278.
Genomic context (GRCh38, chr15:23,647,134, plus strand): 5'-GGGAGGATGAGCCATCGGTGTCCCCGGAGGTGGAGGATGAGCCATCGGTGTCCCCGGAGG[G>T]GGAGGATGAGCCATCGGTGTCCCCGGAGGGGGAGGATGAGCCATCGGGGTCCCCGGAGGA-3'
Protein context (NP_061939.3, residues 193-213): PPPGTPMAHP[Pro203=]PPGTPMAHPP